The following is an entry in ClinVar:

ClinVar aggregate classification (germline): Likely benign (0 of 4 stars; one submission).

Conditions:
CCDC40-related disorder. Also called: CCDC40-related condition.

Submission:

PreventionGenetics, part of Exact Sciences
Classification: Likely benign for CCDC40-related condition. Last evaluated: 2023-01-05. Review status: no assertion criteria provided. Collection method: clinical testing. Allele origin: germline.
Comment: This variant is classified as likely benign based on ACMG/AMP sequence variant interpretation guidelines (Richards et al. 2015 PMID: 25741868, with internal and published modifications).

NM_017950.4(CCDC40):c.856-35_856-24del

Gene: CCDC40 (coiled-coil domain 40 molecular ruler complex subunit; plus strand). Cytogenetic location: 17q25.3.
Variant type: Deletion.
Coding change: c.856-35_856-24del on transcript NM_017950.4 (MANE Select); 35 bases into the intron before coding-DNA position 856 through 24 bases into the intron before coding-DNA position 856, 12 bases deleted (GAAAGGTAACCA).
Molecular consequence: intron variant.
Genome position (GRCh38, 1-based): chr17:80,049,871-80,049,882, GAAAGGTAACCA deleted; deleting any 12 consecutive bases within chr17:80,049,863-80,049,882 gives the same sequence; the c. name uses the placement nearest the transcript's 3' end. VCF-style (leftmost placement, unchanged base first): chr17-80049862-GGGTAACCAGAAA-G. GRCh37 (hg19) VCF-style: chr17-78023661-GGGTAACCAGAAA-G.
Other names: c.856-35_856-24del (NM_001243342.2, NM_001330508.2).
Identifiers: ClinVar variation 3031156 (VCV003031156.2), dbSNP rs745550007, ClinGen allele CA8813596.